The following is an entry in ClinVar:

ClinVar aggregate classification (germline): Likely benign. Review status: criteria provided, multiple submitters, no conflicts (2 of 4 stars). 2 submissions from 2 submitters: Likely benign (2). Last evaluated 2025-01-09.

Conditions:
Hereditary nonpolyposis colorectal neoplasms. Identifiers: MedGen C0009405, MeSH D003123.
Lynch syndrome 5 (LYNCH5). Also called: Hereditary non-polyposis colorectal cancer, type 5; Colorectal cancer, hereditary nonpolyposis, type 5. Identifiers: Orphanet 144, MedGen C1833477, MONDO:0013710, OMIM 614350. Disease mechanism: loss of function.

Submissions (2):

Myriad Genetics, Inc.
Classification: Likely benign for Lynch syndrome 5. Last evaluated: 2025-01-09. Review status: criteria provided, single submitter. Criteria: Myriad Autosomal Dominant, Autosomal Recessive and X-Linked Classification Criteria (2023). Collection method: clinical testing. Allele origin: unknown.
Comment: This variant is considered likely benign. This variant is intronic and is not expected to impact mRNA splicing.

Labcorp Genetics (formerly Invitae), Labcorp
Classification: Likely benign for Hereditary nonpolyposis colorectal neoplasms. Last evaluated: 2023-07-10. Review status: criteria provided, single submitter. Criteria: Invitae Variant Classification Sherloc (09022015). Collection method: clinical testing. Allele origin: germline.

NM_000179.3(MSH6):c.4002-10_4002-4del

Gene: MSH6 (mutS homolog 6; plus strand). Cytogenetic location: 2p16.3.
Variant type: Deletion.
Coding change: c.4002-10_4002-4del on transcript NM_000179.3 (MANE Select); 10 bases into the intron before coding-DNA position 4002 through 4 bases into the intron before coding-DNA position 4002, 7 bases deleted (TAATTTT; older notation c.4002-10_4002-4delTAATTTT).
Molecular consequence: intron variant.
Genome position (GRCh38, 1-based): chr2:47,806,769-47,806,775, TAATTTT deleted; deleting any 7 consecutive bases within chr2:47,806,765-47,806,775 gives the same sequence; the c. name uses the placement nearest the transcript's 3' end. VCF-style (leftmost placement, unchanged base first): chr2-47806764-TTTTTTAA-T. GRCh37 (hg19) VCF-style: chr2-48033903-TTTTTTAA-T.
Other names: c.4002-10_4002-4delTAATTTT (NM_000179.2); c.3096-10_3096-4del (NM_001281493.2, NM_001281494.2); c.3612-10_3612-4del (NM_001281492.2).
Identifiers: ClinVar variation 525900 (VCV000525900.10), dbSNP rs1553333935, ClinGen allele CA658795766.